The following is an entry in ClinVar:

ClinVar aggregate classification (germline): Benign (1 of 4 stars; one submission).

Allele frequency attached by ClinVar (database versions not stated): TOPMed 0.12290; 1000 Genomes Project 0.12500; 1000 Genomes Project 30x 0.12539; gnomAD 0.13334; gnomAD exomes 0.17368.

Submission:

Unidad de Genómica Garrahan, Hospital de Pediatría Garrahan
Classification: Benign. Last evaluated: 2023-11-12. Review status: criteria provided, single submitter. Criteria: ACMG Guidelines, 2015. Collection method: clinical testing. Allele origin: germline. Affected: no. Observed: 19 variant alleles.
Comment: This variant is classified as Benign based on local population frequency. This variant was detected in 20% of patients studied by a panel of primary immunodeficiencies. Number of patients: 19. Only high quality variants are reported.

NM_003978.5(PSTPIP1):c.37-2234C>T

Gene: PSTPIP1 (proline-serine-threonine phosphatase interacting protein 1; plus strand). Cytogenetic location: 15q24.3.
Variant type: single nucleotide variant.
Coding change: c.37-2234C>T on transcript NM_003978.5 (MANE Select); 2234 bases into the intron before coding-DNA position 37, C replaced by T.
Molecular consequence: intron variant.
Genome position (GRCh38, 1-based): chr15:77,015,914, C>T. VCF-style: chr15-77015914-C-T. GRCh37 (hg19) VCF-style: chr15-77308255-C-T.
Other names: c.232-2234C>T (NM_001321137.1); c.10-2234C>T (NM_001321136.2); c.37-2234C>T (NM_001321135.2, NM_001411086.1).
Identifiers: ClinVar variation 2628304 (VCV002628304.2), dbSNP rs78138579, ClinGen allele CA14184866.